The following is an entry in ClinVar:

NC_000003.11:g.(?_138091726)_(138091938_?)del

Gene: MRAS (muscle RAS oncogene homolog; plus strand). Cytogenetic location: 3q22.3.
Variant type: Deletion.
Identifiers: ClinVar variation 1411716 (VCV001411716.4).

ClinVar aggregate classification (germline): Uncertain significance (1 of 4 stars; one submission).

Submission:

Labcorp Genetics (formerly Invitae), Labcorp
Classification: Uncertain significance. Last evaluated: 2023-12-12. Review status: criteria provided, single submitter. Criteria: Invitae Variant Classification Sherloc (09022015). Collection method: clinical testing. Allele origin: germline.
Comment: This variant is a gross deletion of the genomic region encompassing exon(s) 2 of the MRAS gene, which includes the initiator codon. This deletion extends beyond the assayed region for this gene and therefore may encompass additional genes. It is expected to result in an absent or disrupted protein product. However, the current clinical and genetic evidence is not sufficient to establish whether loss-of-function variants in MRAS cause disease. This variant has not been reported in the literature in individuals affected with MRAS-related conditions. In summary, the available evidence is currently insufficient to determine the role of this variant in disease. Therefore, it has been classified as a Variant of Uncertain Significance.